The following is an entry in ClinVar:

ClinVar aggregate classification (germline): Benign. Review status: criteria provided, multiple submitters, no conflicts (2 of 4 stars). 3 submissions from 3 submitters: Benign (3). Last evaluated 2024-01-24.

Allele frequency attached by ClinVar (database versions not stated): ESP Exome Variant Server 0.05205; gnomAD exomes 0.06797 and 0.10958; gnomAD 0.06905 and 0.07662; TOPMed 0.08521; ExAC 0.10477; 1000 Genomes Project 30x 0.16365; 1000 Genomes Project 0.17053.
gnomAD v4.1: 109,194 of 1,574,308 alleles (6.9%); highest among the groups gnomAD compares: East Asian, 48%; 8,603 homozygotes.

Submissions (3):

Unidad de Genómica Garrahan, Hospital de Pediatría Garrahan
Classification: Benign. Last evaluated: 2024-01-24. Review status: criteria provided, single submitter. Criteria: ACMG Guidelines, 2015. Collection method: clinical testing. Allele origin: germline. Affected: no. Observed: 30 variant alleles.
Comment: This variant is classified as Benign based on local population frequency. This variant was detected in 34% of patients studied by a panel of primary immunodeficiencies. Number of patients: 30. Only high quality variants are reported.

GeneDx
Classification: Benign. Last evaluated: 2018-11-12. Review status: criteria provided, single submitter. Criteria: GeneDx Variant Classification Process June 2021. Collection method: clinical testing. Allele origin: germline. Affected: yes.

Breakthrough Genomics
Classification: Benign. Review status: criteria provided, single submitter. Criteria: ACMG Guidelines, 2015. Collection method: not provided. Allele origin: germline. Inheritance: Autosomal recessive inheritance. Affected: yes.

NM_017671.5(FERMT1):c.1089+48A>C

Gene: FERMT1 (FERM domain containing kindlin 1; minus strand). Cytogenetic location: 20p12.3.
Variant type: single nucleotide variant.
Coding change: c.1089+48A>C on transcript NM_017671.5 (MANE Select); 48 bases into the intron after coding-DNA position 1089, A replaced by C.
Molecular consequence: intron variant.
Genome position (GRCh38, 1-based): chr20:6,096,854, T>G on the plus strand (A>C on the coding strand, the complement: FERMT1 is on the minus strand). VCF-style: chr20-6096854-T-G. GRCh37 (hg19) VCF-style: chr20-6077501-T-G.
Identifiers: ClinVar variation 1238607 (VCV001238607.6), dbSNP rs16991840, ClinGen allele CA9758260.